The following is an entry in ClinVar:

NM_024876.4(COQ8B):c.647C>T (p.Ala216Val)

Gene: COQ8B (coenzyme Q8B; minus strand). Cytogenetic location: 19q13.2.
Variant type: single nucleotide variant.
Coding change: c.647C>T on transcript NM_024876.4 (MANE Select); coding-DNA position 647, C replaced by T.
Protein change: p.Ala216Val; replaces alanine 216 with valine.
Molecular consequence: missense variant.
Genome position (GRCh38, 1-based): chr19:40,703,785, G>A on the plus strand (C>T on the coding strand, the complement: COQ8B is on the minus strand). VCF-style: chr19-40703785-G-A. GRCh37 (hg19) VCF-style: chr19-41209690-G-A.
Other names: c.524C>T, p.Ala175Val (NM_001142555.3); short protein forms A216V, A175V.
Identifiers: ClinVar variation 1921318 (VCV001921318.5), dbSNP rs1250016316, ClinGen allele CA405964127.

ClinVar aggregate classification (germline): Uncertain significance (1 of 4 stars; one submission).

Allele frequency attached by ClinVar (database versions not stated): TOPMed below 0.00001; gnomAD 0.00001.
gnomAD v4.1: 3 of 1,613,912 alleles (0.00019%); highest among the groups gnomAD compares: Admixed American, 0.0033%; no homozygotes.

Submission:

Labcorp Genetics (formerly Invitae), Labcorp
Classification: Uncertain significance. Last evaluated: 2025-04-27. Review status: criteria provided, single submitter. Criteria: Invitae Variant Classification Sherloc (09022015). Collection method: clinical testing. Allele origin: germline.
Comment: This sequence change replaces alanine, which is neutral and non-polar, with valine, which is neutral and non-polar, at codon 216 of the COQ8B protein (p.Ala216Val). This variant is not present in population databases (gnomAD no frequency). This variant has not been reported in the literature in individuals affected with COQ8B-related conditions. ClinVar contains an entry for this variant (Variation ID: 1921318). Invitae Evidence Modeling of protein sequence and biophysical properties (such as structural, functional, and spatial information, amino acid conservation, physicochemical variation, residue mobility, and thermodynamic stability) indicates that this missense variant is expected to disrupt COQ8B protein function with a positive predictive value of 80%. In summary, the available evidence is currently insufficient to determine the role of this variant in disease. Therefore, it has been classified as a Variant of Uncertain Significance.